The following is an entry in ClinVar:

NM_198075.4(LRRC56):c.1072A>G (p.Arg358Gly)

Gene: LRRC56 (leucine rich repeat containing 56; plus strand). Cytogenetic location: 11p15.5.
Variant type: single nucleotide variant.
Coding change: c.1072A>G on transcript NM_198075.4 (MANE Select); coding-DNA position 1072, A replaced by G.
Protein change: p.Arg358Gly; replaces arginine 358 with glycine.
Molecular consequence: missense variant.
Genome position (GRCh38, 1-based): chr11:552,123, A>G. VCF-style: chr11-552123-A-G. GRCh37 (hg19) VCF-style: chr11-552123-A-G.
Other names: short protein forms R358G.
Identifiers: ClinVar variation 1488741 (VCV001488741.3), dbSNP rs1554890697, ClinGen allele CA5779946.

ClinVar aggregate classification (germline): Uncertain significance (1 of 4 stars; one submission).

Allele frequency attached by ClinVar (database versions not stated): ExAC 0.00002; gnomAD exomes 0.00002 and 0.00003; TOPMed 0.00003.
gnomAD v4.1: 10 of 1,612,328 alleles (0.00062%); highest among the groups gnomAD compares: Admixed American, 0.017%; no homozygotes.

Submission:

Labcorp Genetics (formerly Invitae), Labcorp
Classification: Uncertain significance. Last evaluated: 2022-08-23. Review status: criteria provided, single submitter. Criteria: Invitae Variant Classification Sherloc (09022015). Collection method: clinical testing. Allele origin: germline.
Comment: This sequence change replaces arginine, which is basic and polar, with glycine, which is neutral and non-polar, at codon 358 of the LRRC56 protein (p.Arg358Gly). This variant is present in population databases (no rsID available, gnomAD 0.02%). This variant has not been reported in the literature in individuals affected with LRRC56-related conditions. ClinVar contains an entry for this variant (Variation ID: 1488741). Algorithms developed to predict the effect of missense changes on protein structure and function output the following: SIFT: "Tolerated"; PolyPhen-2: "Benign"; Align-GVGD: "Class C0". The glycine amino acid residue is found in multiple mammalian species, which suggests that this missense change does not adversely affect protein function. In summary, the available evidence is currently insufficient to determine the role of this variant in disease. Therefore, it has been classified as a Variant of Uncertain Significance.